The following is an entry in ClinVar:

NM_004006.3(DMD):c.10034G>A (p.Arg3345Gln)

Gene: DMD (dystrophin; minus strand). Cytogenetic location: Xp21.2.
Variant type: single nucleotide variant.
Coding change: c.10034G>A on transcript NM_004006.3 (MANE Select); coding-DNA position 10034, G replaced by A.
Protein change: p.Arg3345Gln; replaces arginine 3345 with glutamine.
Molecular consequence: missense variant.
Genome position (GRCh38, 1-based): chrX:31,180,422, C>T on the plus strand (G>A on the coding strand, the complement: DMD is on the minus strand). VCF-style: chrX-31180422-C-T. GRCh37 (hg19) VCF-style: chrX-31198539-C-T.
Other names: NC_000023.10:g.31198539C>T; c.10010G>A, p.Arg3337Gln (NM_000109.4); c.10022G>A, p.Arg3341Gln (NM_004009.3); c.9665G>A, p.Arg3222Gln (NM_004010.3); c.6011G>A, p.Arg2004Gln (NM_004011.4); c.6002G>A, p.Arg2001Gln (NM_004012.4); c.2654G>A, p.Arg885Gln (NM_004013.3, NM_004020.4, NM_004021.3 and 2 more transcripts); c.1847G>A, p.Arg616Gln (NM_004014.3); and 1 more; short protein forms R2001Q, R2004Q, R277Q, R3222Q, R3337Q, R3341Q, R3345Q, R616Q.
Identifiers: ClinVar variation 1804758 (VCV001804758.35), dbSNP rs2041036250, ClinGen allele CA412653106.

ClinVar aggregate classification (germline): Uncertain significance. Review status: criteria provided, multiple submitters, no conflicts (2 of 4 stars). 4 submissions from 4 submitters: Uncertain significance (4). Last evaluated 2025-09-20.

Conditions:
Primary dilated cardiomyopathy (DCM). Also called: Dilated Cardiomyopathy. Identifiers: Orphanet 217604, MedGen C0007193, MeSH D002311, MONDO:0005021, HP:0001644. Inheritance: Various modes of inheritance.
Duchenne muscular dystrophy (DMD). Also called: MUSCULAR DYSTROPHY, PSEUDOHYPERTROPHIC PROGRESSIVE, DUCHENNE TYPE; Duchenne Muscular Dystrophy (DMD). Identifiers: Orphanet 98896, MedGen C0013264, MONDO:0010679, OMIM 310200.

Allele frequency attached by ClinVar (database versions not stated): gnomAD 0.00001.
gnomAD v4.1: 5 of 1,208,699 alleles (0.00041%); highest among the groups gnomAD compares: African/African-American, 0.0018%; no homozygotes.

Submissions (5):

Labcorp Genetics (formerly Invitae), Labcorp
Classification: Uncertain significance for Duchenne muscular dystrophy. Last evaluated: 2025-09-20. Review status: criteria provided, single submitter. Criteria: Invitae Variant Classification Sherloc (09022015). Collection method: clinical testing. Allele origin: germline.
Comment: This sequence change replaces arginine, which is basic and polar, with glutamine, which is neutral and polar, at codon 3345 of the DMD protein (p.Arg3345Gln). This variant is not present in population databases (gnomAD no frequency). This missense change has been observed in individual(s) with Duchenne muscular dystrophy (PMID: 29188604). ClinVar contains an entry for this variant (Variation ID: 1804758). Invitae Evidence Modeling of protein sequence and biophysical properties (such as structural, functional, and spatial information, amino acid conservation, physicochemical variation, residue mobility, and thermodynamic stability) indicates that this missense variant is not expected to disrupt DMD protein function with a negative predictive value of 95%. In summary, the available evidence is currently insufficient to determine the role of this variant in disease. Therefore, it has been classified as a Variant of Uncertain Significance.

CeGaT Center for Human Genetics Tuebingen
Classification: Uncertain significance. Last evaluated: 2023-08-01. Review status: criteria provided, single submitter. Criteria: CeGaT Center For Human Genetics Tuebingen Variant Classification Criteria Version 2. Collection method: clinical testing. Allele origin: germline. Affected: yes. Observed: 1 variant allele.
Comment: DMD: PM2, PM5, PP3

Clinical Center for Gene Diagnosis and Therapy, Department of Cardiovascular Surgery, The Second Xiangya Hospital of Central South University
Classification: Uncertain significance for Primary dilated cardiomyopathy. Last evaluated: 2023-06-01. Review status: criteria provided, single submitter. Criteria: ACMG Guidelines, 2015. Collection method: clinical testing. Allele origin: germline. Affected: yes.

Women's Health and Genetics/Laboratory Corporation of America, LabCorp
Classification: Uncertain significance. Last evaluated: 2022-11-30. Review status: criteria provided, single submitter. Criteria: LabCorp Variant Classification Summary - May 2015. Collection method: clinical testing. Allele origin: germline.
Comment: Variant summary: DMD c.10034G>A (p.Arg3345Gln) results in a conservative amino acid change located in the zinc finger domain (IPR000433) of the encoded protein sequence. Four of five in-silico tools predict a damaging effect of the variant on protein function. The variant was absent in 183115 control chromosomes. The available data on variant occurrences in the general population are insufficient to allow any conclusion about variant significance. c.10034G>A has been reported in the literature in one individual affected with Duchenne Muscular Dystrophy, although a second missense variant of unknown significance was also detected in the same patient (Xu_2017). To our knowledge, no experimental evidence demonstrating an impact on protein function has been reported. No clinical diagnostic laboratories have submitted clinical-significance assessments for this variant to ClinVar after 2014. Based on the evidence outlined above, the variant was classified as uncertain significance.

Dr. Peter K. Rogan Lab, Western University
No classification provided (evidence only). Condition: Thyroid cancer, nonmedullary, 1. Review status: no classification provided. Collection method: in vitro. Allele origin: not applicable. Functional consequence: retained intron. Not counted in ClinVar's aggregate classification.

Literature cited by the submitters: PubMed 29188604 (cited by Labcorp Genetics (formerly Invitae), Labcorp and Women's Health and Genetics/Laboratory Corporation of America, LabCorp).